The following is an entry in ClinVar:

ClinVar aggregate classification (germline): Likely pathogenic (1 of 4 stars; one submission).

Submission:

GeneDx
Classification: Likely pathogenic. Last evaluated: 2023-04-11. Review status: criteria provided, single submitter. Criteria: GeneDx Variant Classification Process June 2021. Collection method: clinical testing. Allele origin: germline. Affected: yes.
Comment: Not observed in large population cohorts (gnomAD); In silico analysis suggests that this missense variant does not alter protein structure/function, but splice predictors indicate that the variant may lead to abnormal gene splicing; Has not been previously published as pathogenic or benign to our knowledge

NM_005045.4(RELN):c.5579T>G (p.Met1860Arg)

Gene: RELN (reelin; minus strand). Cytogenetic location: 7q22.1.
Variant type: single nucleotide variant.
Coding change: c.5579T>G on transcript NM_005045.4 (MANE Select); coding-DNA position 5579, T replaced by G.
Protein change: p.Met1860Arg; replaces methionine 1860 with arginine.
Molecular consequence: missense variant.
Genome position (GRCh38, 1-based): chr7:103,558,000, A>C on the plus strand (T>G on the coding strand, the complement: RELN is on the minus strand). VCF-style: chr7-103558000-A-C. GRCh37 (hg19) VCF-style: chr7-103198447-A-C.
Other names: c.5579T>G, p.Met1860Arg (NM_173054.3); short protein forms M1860R.
Identifiers: ClinVar variation 1316915 (VCV001316915.3), dbSNP rs1830562930, ClinGen allele CA368742555.